The following is an entry in ClinVar:

ClinVar aggregate classification (germline): Uncertain significance (1 of 4 stars; one submission).

Conditions:
Short stature. Identifiers: MedGen C0349588, HP:0004322.

Allele frequency attached by ClinVar (database versions not stated): TOPMed below 0.00001.

Submission:

MVZ Dr. Eberhard & Partner Dortmund
Classification: Uncertain significance for Short stature. Last evaluated: 2022-12-05. Review status: criteria provided, single submitter. Criteria: ACMG Guidelines, 2015. Collection method: clinical testing. Allele origin: unknown. Observed: 1 heterozygote.
Comment: This variant was absent from literature and control databases such as GnomAD. The computational evidence is inconclusive. Because of no other supporting evidence this variant is considered be a variant of uncertain significance according to the ACMG guidelines.

NM_003392.7(WNT5A):c.654G>C (p.Met218Ile)

Gene: WNT5A (Wnt family member 5A; minus strand). Cytogenetic location: 3p14.3.
Variant type: single nucleotide variant.
Coding change: c.654G>C on transcript NM_003392.7 (MANE Select); coding-DNA position 654, G replaced by C.
Protein change: p.Met218Ile; replaces methionine 218 with isoleucine.
Molecular consequence: missense variant.
Genome position (GRCh38, 1-based): chr3:55,474,367, C>G on the plus strand (G>C on the coding strand, the complement: WNT5A is on the minus strand). VCF-style: chr3-55474367-C-G. GRCh37 (hg19) VCF-style: chr3-55508395-C-G.
Other names: c.609G>C, p.Met203Ile (NM_001256105.1, NM_001377271.1, NM_001377272.1); short protein forms M218I, M203I.
Identifiers: ClinVar variation 2775427 (VCV002775427.2), dbSNP rs963662325, ClinGen allele CA74921861.